The following is an entry in ClinVar:

ClinVar aggregate classification (germline): Uncertain significance. Review status: criteria provided, multiple submitters, no conflicts (2 of 4 stars). 2 submissions from 2 submitters: Uncertain significance (2). Last evaluated 2023-02-24.

Allele frequency attached by ClinVar (database versions not stated): gnomAD exomes below 0.00001; ExAC 0.00001; gnomAD 0.00001; 1000 Genomes Project 30x 0.00016; 1000 Genomes Project 0.00020.
gnomAD v4.1: 7 of 1,614,228 alleles (0.00043%); highest among the groups gnomAD compares: Middle Eastern, 0.016%; no homozygotes.

Submissions (2):

GeneDx
Classification: Uncertain significance. Last evaluated: 2023-02-24. Review status: criteria provided, single submitter. Criteria: GeneDx Variant Classification Process June 2021. Collection method: clinical testing. Allele origin: germline. Affected: yes.
Comment: In silico analysis supports that this missense variant has a deleterious effect on protein structure/function; Has not been previously published as pathogenic or benign to our knowledge

Labcorp Genetics (formerly Invitae), Labcorp
Classification: Uncertain significance. Last evaluated: 2022-12-31. Review status: criteria provided, single submitter. Criteria: Invitae Variant Classification Sherloc (09022015). Collection method: clinical testing. Allele origin: germline.
Comment: In summary, the available evidence is currently insufficient to determine the role of this variant in disease. Therefore, it has been classified as a Variant of Uncertain Significance. Advanced modeling of protein sequence and biophysical properties (such as structural, functional, and spatial information, amino acid conservation, physicochemical variation, residue mobility, and thermodynamic stability) has been performed at Invitae for this missense variant, however the output from this modeling did not meet the statistical confidence thresholds required to predict the impact of this variant on ARID1B protein function. This variant has not been reported in the literature in individuals affected with ARID1B-related conditions. This variant is present in population databases (rs574079611, gnomAD 0.006%). This sequence change replaces aspartic acid, which is acidic and polar, with glycine, which is neutral and non-polar, at codon 2002 of the ARID1B protein (p.Asp2002Gly).

NM_001374828.1(ARID1B):c.6374A>G (p.Asp2125Gly)

Gene: ARID1B (AT-rich interaction domain 1B; plus strand). Cytogenetic location: 6q25.3.
Variant type: single nucleotide variant.
Coding change: c.6374A>G on transcript NM_001374828.1 (MANE Select); coding-DNA position 6374, A replaced by G.
Protein change: p.Asp2125Gly; replaces aspartic acid 2125 with glycine.
Molecular consequence: missense variant.
Genome position (GRCh38, 1-based): chr6:157,207,146, A>G. VCF-style: chr6-157207146-A-G. GRCh37 (hg19) VCF-style: chr6-157528280-A-G.
Other names: c.6125A>G, p.Asp2042Gly (NM_001346813.1); c.3875A>G, p.Asp1292Gly (NM_001363725.2); c.6254A>G, p.Asp2085Gly (NM_001371656.1, NM_001374820.1); c.6215A>G, p.Asp2072Gly (NM_017519.3); c.6005A>G, p.Asp2002Gly (NM_020732.3); c.5792A>G, p.Asp1931Gly (NM_175863.2); short protein forms D1292G, D1931G, D2002G, D2042G, D2072G, D2085G, D2125G.
Identifiers: ClinVar variation 2443583 (VCV002443583.4), dbSNP rs574079611, ClinGen allele CA4068008.
Genomic context (GRCh38, chr6:157,207,146, plus strand): 5'-ACCACGAGCATCCAGAGAGAAAGCGAGCACCGCAGACCTATGAGAAAGAGGAGGATGAGG[A>G]CAAGGGGGTGGCCTGCAGCAAAGATGAGTGGTGGTGGGACTGCCTCGAGGTCTTGAGGGA-3'
Protein context (NP_001361757.1, residues 2115-2135): PQTYEKEEDE[Asp2125Gly]KGVACSKDEW